The following is an entry in ClinVar:

ClinVar aggregate classification (germline): Benign. Review status: criteria provided, multiple submitters, no conflicts (2 of 4 stars). 4 submissions from 4 submitters: Benign (3). 1 of the submissions does not count toward it. Last evaluated 2024-11-26.

Conditions:
SPRTN-related disorder. Also called: SPRTN-related condition.
Progeroid features-hepatocellular carcinoma predisposition syndrome (RJALS). Also called: RUIJS-AALFS PROGEROID SYNDROME; Ruijs-Aalfs syndrome. Identifiers: Orphanet 435953, MedGen C4015461, MONDO:0014527, OMIM 616200.

Allele frequency attached by ClinVar (database versions not stated): 1000 Genomes Project 30x 0.52748; 1000 Genomes Project 0.53295; TOPMed 0.56081; gnomAD 0.57657 and 0.57699; ESP Exome Variant Server 0.57927; gnomAD exomes 0.59711 and 0.61942; ExAC 0.59880.
gnomAD v4.1: 992,039 of 1,613,562 alleles (61%); highest among the groups gnomAD compares: Middle Eastern, 66%; 307,696 homozygotes.

Submissions (4):

Blueprint Genetics
Classification: Benign. Last evaluated: 2024-11-26. Review status: criteria provided, single submitter. Criteria: ACMG Guidelines, 2015. Collection method: clinical testing. Allele origin: germline.

Genome-Nilou Lab
Classification: Benign for Progeroid features-hepatocellular carcinoma predisposition syndrome. Last evaluated: 2021-07-15. Review status: criteria provided, single submitter. Criteria: ACMG Guidelines, 2015. Collection method: clinical testing. Allele origin: germline. Affected: no.

Breakthrough Genomics
Classification: Benign. Review status: criteria provided, single submitter. Criteria: ACMG Guidelines, 2015. Collection method: not provided. Allele origin: germline. Inheritance: Autosomal recessive inheritance. Affected: yes.

PreventionGenetics, part of Exact Sciences
Classification: Benign for SPRTN-related condition. Last evaluated: 2019-09-24. Review status: no assertion criteria provided. Collection method: clinical testing. Allele origin: germline. Not counted in ClinVar's aggregate classification.
Comment: This variant is classified as benign based on ACMG/AMP sequence variant interpretation guidelines (Richards et al. 2015 PMID: 25741868, with internal and published modifications).

NM_032018.7(SPRTN):c.887C>T (p.Pro296Leu)

Gene: SPRTN (SprT-like N-terminal domain; plus strand). Cytogenetic location: 1q42.2.
Variant type: single nucleotide variant.
Coding change: c.887C>T on transcript NM_032018.7 (MANE Select); coding-DNA position 887, C replaced by T.
Protein change: p.Pro296Leu; replaces proline 296 with leucine.
Molecular consequence: missense variant. On other transcripts: 3 prime UTR variant (2).
Genome position (GRCh38, 1-based): chr1:231,352,778, C>T. VCF-style: chr1-231352778-C-T. GRCh37 (hg19) VCF-style: chr1-231488524-C-T.
Other names: c.887C>T (NM_032018.6); c.*1172C>T (NM_001010984.4, NM_001261462.3); short protein forms P296L.
Identifiers: ClinVar variation 1333158 (VCV001333158.6), dbSNP rs2437150, ClinGen allele CA1452827.